The following is an entry in ClinVar:

NM_000784.4(CYP27A1):c.322C>T (p.Leu108=)

Gene: CYP27A1 (cytochrome P450 family 27 subfamily A member 1; plus strand). Cytogenetic location: 2q35.
Variant type: single nucleotide variant.
Coding change: c.322C>T on transcript NM_000784.4 (MANE Select); coding-DNA position 322, C replaced by T.
Protein change: p.Leu108=; no amino-acid change (leucine 108 retained).
Molecular consequence: synonymous variant.
Genome position (GRCh38, 1-based): chr2:218,809,643, C>T. VCF-style: chr2-218809643-C-T. GRCh37 (hg19) VCF-style: chr2-219674366-C-T.
Identifiers: ClinVar variation 896054 (VCV000896054.16), dbSNP rs192344487, ClinGen allele CA2112566.
Genomic context (GRCh38, chr2:218,809,643, plus strand): 5'-TACAAGGCCAAGTACGGTCCAATGTGGATGTCCTACTTAGGGCCTCAGATGCACGTGAAC[C>T]TGGCCAGTGCCCCGCTCTTGGAGCAAGTGATGCGGCAAGAGGGCAAGTACCCAGTACGGA-3'
Protein context (NP_000775.1, residues 98-118): SYLGPQMHVN[Leu108=]ASAPLLEQVM

ClinVar aggregate classification (germline): Conflicting classifications of pathogenicity. Review status: criteria provided, conflicting classifications (1 of 4 stars). 4 submissions from 4 submitters: Uncertain significance (1); Likely benign (2). 1 of the submissions does not count toward it. Last evaluated 2024-10-23.

Conditions:
Cholestanol storage disease (CTX). Also called: Cerebrotendinous Xanthomatosis; CEREBRAL CHOLESTERINOSIS; CTX: Cerebrotendinous xanthomatosis. Identifiers: Orphanet 909, MedGen C0238052, MONDO:0008948, OMIM 213700.
CYP27A1-related disorder. Also called: CYP27A1-related condition.
Cardiovascular phenotype. Identifiers: MedGen CN230736.

Allele frequency attached by ClinVar (database versions not stated): TOPMed below 0.00001; gnomAD 0.00001; ExAC 0.00002; gnomAD exomes 0.00002; 1000 Genomes Project 30x 0.00016; 1000 Genomes Project 0.00020.
gnomAD v4.1: 36 of 1,614,172 alleles (0.0022%); highest among the groups gnomAD compares: South Asian, 0.0066%; no homozygotes.

Submissions (4):

Labcorp Genetics (formerly Invitae), Labcorp
Classification: Likely benign for Cholestanol storage disease. Last evaluated: 2024-10-23. Review status: criteria provided, single submitter. Criteria: Invitae Variant Classification Sherloc (09022015). Collection method: clinical testing. Allele origin: germline.

Ambry Genetics
Classification: Likely benign for Cardiovascular phenotype. Last evaluated: 2024-06-04. Review status: criteria provided, single submitter. Criteria: Ambry Variant Classification Scheme 2023. Collection method: clinical testing. Allele origin: germline.

Illumina Laboratory Services, Illumina
Classification: Uncertain significance for Cholestanol storage disease. Last evaluated: 2017-04-28. Review status: criteria provided, single submitter. Criteria: ICSL Variant Classification Criteria 13 December 2019. Collection method: clinical testing. Allele origin: germline.

PreventionGenetics, part of Exact Sciences
Classification: Likely benign for CYP27A1-related condition. Last evaluated: 2021-12-14. Review status: no assertion criteria provided. Collection method: clinical testing. Allele origin: germline. Not counted in ClinVar's aggregate classification.
Comment: This variant is classified as likely benign based on ACMG/AMP sequence variant interpretation guidelines (Richards et al. 2015 PMID: 25741868, with internal and published modifications).